The following is an entry in ClinVar:

ClinVar aggregate classification (germline): Uncertain significance (1 of 4 stars; one submission).

Submission:

GeneDx
Classification: Uncertain significance. Last evaluated: 2019-05-31. Review status: criteria provided, single submitter. Criteria: GeneDx Variant Classification Process June 2021. Collection method: clinical testing. Allele origin: germline. Affected: yes.
Comment: Not observed at a significant frequency in large population cohorts (Lek et al., 2016); In silico analysis, which includes protein predictors and evolutionary conservation, supports that this variant does not alter protein structure/function; Has not been previously published as pathogenic or benign to our knowledge

NM_015662.3(IFT172):c.463G>T (p.Val155Leu)

Gene: IFT172 (intraflagellar transport 172; minus strand). Cytogenetic location: 2p23.3.
Variant type: single nucleotide variant.
Coding change: c.463G>T on transcript NM_015662.3 (MANE Select); coding-DNA position 463, G replaced by T.
Protein change: p.Val155Leu; replaces valine 155 with leucine.
Molecular consequence: missense variant.
Genome position (GRCh38, 1-based): chr2:27,483,599, C>A on the plus strand (G>T on the coding strand, the complement: IFT172 is on the minus strand). VCF-style: chr2-27483599-C-A. GRCh37 (hg19) VCF-style: chr2-27706466-C-A.
Other names: short protein forms V155L.
Identifiers: ClinVar variation 1306279 (VCV001306279.2), dbSNP rs149969430, ClinGen allele CA1580977.
Genomic context (GRCh38, chr2:27,483,599, plus strand): 5'-AACACTTCCAGACTCTAGTGATACTACTCCTCTTTACTCACTTTGTTGTCAGGGACACCA[C>A]GTAAGACTCTGTCCCATAGATGGTAGATGATTTATTAGTTTTGGTGTTTGCTAAACGAAC-3'
Protein context (NP_056477.1, residues 145-165): SSTIYGTESY[Val155Leu]VSLTTNCSGK